The following is an entry in ClinVar:

NM_033026.6(PCLO):c.3143A>G (p.Lys1048Arg)

Gene: PCLO (piccolo presynaptic cytomatrix protein; minus strand). Cytogenetic location: 7q21.11.
Variant type: single nucleotide variant.
Coding change: c.3143A>G on transcript NM_033026.6 (MANE Select); coding-DNA position 3143, A replaced by G.
Protein change: p.Lys1048Arg; replaces lysine 1048 with arginine.
Molecular consequence: missense variant.
Genome position (GRCh38, 1-based): chr7:83,134,407, T>C on the plus strand (A>G on the coding strand, the complement: PCLO is on the minus strand). VCF-style: chr7-83134407-T-C. GRCh37 (hg19) VCF-style: chr7-82763723-T-C.
Other names: c.3143A>G, p.Lys1048Arg (NM_014510.3); c.3143A>G (NM_033026.5); short protein forms K1048R.
Identifiers: ClinVar variation 1461132 (VCV001461132.6), dbSNP rs766280313, ClinGen allele CA4321135.

ClinVar aggregate classification (germline): Uncertain significance. Review status: criteria provided, multiple submitters, no conflicts (2 of 4 stars). 2 submissions from 2 submitters: Uncertain significance (2). Last evaluated 2025-10-02.

Conditions:
Inborn genetic diseases. Identifiers: MedGen C0950123, MeSH D030342.

Allele frequency attached by ClinVar (database versions not stated): gnomAD exomes below 0.00001; gnomAD 0.00005 and 0.00006; TOPMed 0.00003; ExAC 0.00001.
gnomAD v4.1: 9 of 1,613,644 alleles (0.00056%); highest among the groups gnomAD compares: African/African-American, 0.011%; no homozygotes.

Submissions (2):

Ambry Genetics
Classification: Uncertain significance for Inborn genetic diseases. Last evaluated: 2025-10-02. Review status: criteria provided, single submitter. Criteria: Ambry Variant Classification Scheme 2023. Collection method: clinical testing. Allele origin: germline.

Labcorp Genetics (formerly Invitae), Labcorp
Classification: Uncertain significance. Last evaluated: 2022-07-11. Review status: criteria provided, single submitter. Criteria: Invitae Variant Classification Sherloc (09022015). Collection method: clinical testing. Allele origin: germline.
Comment: This sequence change replaces lysine, which is basic and polar, with arginine, which is basic and polar, at codon 1048 of the PCLO protein (p.Lys1048Arg). This variant is present in population databases (rs766280313, gnomAD 0.02%). This variant has not been reported in the literature in individuals affected with PCLO-related conditions. ClinVar contains an entry for this variant (Variation ID: 1461132). Algorithms developed to predict the effect of missense changes on protein structure and function output the following: SIFT: "Tolerated"; PolyPhen-2: "Not Available"; Align-GVGD: "Class C0". The arginine amino acid residue is found in multiple mammalian species, which suggests that this missense change does not adversely affect protein function. Algorithms developed to predict the effect of sequence changes on RNA splicing suggest that this variant may create or strengthen a splice site. In summary, the available evidence is currently insufficient to determine the role of this variant in disease. Therefore, it has been classified as a Variant of Uncertain Significance.